The following is an entry in ClinVar:

ClinVar aggregate classification (germline): Uncertain significance. Review status: criteria provided, multiple submitters, no conflicts (2 of 4 stars). 3 submissions from 3 submitters: Uncertain significance (3). Last evaluated 2024-12-22.

Conditions:
MYH11-related disorder. Also called: MYH11-related condition.
Familial thoracic aortic aneurysm and aortic dissection (TAAD). Also called: Thoracic aortic aneurysms and dissections. Identifiers: Orphanet 91387, MedGen C4707243, MONDO:0019625.

Allele frequency attached by ClinVar (database versions not stated): gnomAD exomes below 0.00001; TOPMed below 0.00001.
gnomAD v4.1: 4 of 1,614,136 alleles (0.00025%); highest among the groups gnomAD compares: Non-Finnish European, 0.00034%; no homozygotes.

Submissions (3):

PreventionGenetics, part of Exact Sciences
Classification: Uncertain significance for MYH11-related condition. Last evaluated: 2024-12-22. Review status: criteria provided, single submitter. Criteria: ACMG Guidelines, 2015. Collection method: clinical testing. Allele origin: germline.
Comment: The MYH11 c.1685C>T variant is predicted to result in the amino acid substitution p.Thr562Met. This variant has been reported in an individual with an autism phenotype (Supplemental Table 1, Zhou et al. 2022. PubMed ID: 35982159). At this time, the clinical significance of this variant is uncertain due to the absence of conclusive functional and genetic evidence.

All of Us Research Program, National Institutes of Health
Classification: Uncertain significance for Familial thoracic aortic aneurysm and aortic dissection. Last evaluated: 2024-07-20. Review status: criteria provided, single submitter. Criteria: ACMG Guidelines, 2015. Collection method: clinical testing. Allele origin: germline. Inheritance: Autosomal dominant inheritance. Observed: 2 variant alleles, 2 heterozygotes.
Comment: This missense variant replaces threonine with methionine at codon 562 of the MYH11 protein. Computational prediction suggests that this variant may not impact protein structure and function (internally defined REVEL score threshold <= 0.5, PMID: 27666373). To our knowledge, functional studies have not been reported for this variant. This variant has not been reported in individuals affected with MYH11-related disorders in the literature. This variant has not been identified in the general population by the Genome Aggregation Database (gnomAD). The available evidence is insufficient to determine the role of this variant in disease conclusively. Therefore, this variant is classified as a Variant of Uncertain Significance.

This study involves interpretation of variants in research participants for the purpose of population health screening. Participant phenotype was not available at the time of variant classification. Additional details can be found in publication PMID: 35346344, PMCID: PMC8962531

Color Diagnostics, LLC DBA Color Health
Classification: Uncertain significance for Familial thoracic aortic aneurysm and aortic dissection. Last evaluated: 2023-12-04. Review status: criteria provided, single submitter. Criteria: ACMG Guidelines, 2015. Collection method: clinical testing. Allele origin: germline.
Comment: This missense variant replaces threonine with methionine at codon 562 of the MYH11 protein. Computational prediction suggests that this variant may not impact protein structure and function (internally defined REVEL score threshold <= 0.5, PMID: 27666373). To our knowledge, functional studies have not been reported for this variant. This variant has not been reported in individuals affected with MYH11-related disorders in the literature. This variant has not been identified in the general population by the Genome Aggregation Database (gnomAD). The available evidence is insufficient to determine the role of this variant in disease conclusively. Therefore, this variant is classified as a Variant of Uncertain Significance.

NM_002474.3(MYH11):c.1664C>T (p.Thr555Met)

Gene: MYH11 (myosin heavy chain 11; minus strand). Cytogenetic location: 16p13.11.
Variant type: single nucleotide variant.
Coding change: c.1664C>T on transcript NM_002474.3 (MANE Select); coding-DNA position 1664, C replaced by T.
Protein change: p.Thr555Met; replaces threonine 555 with methionine.
Molecular consequence: missense variant.
Genome position (GRCh38, 1-based): chr16:15,756,426, G>A on the plus strand (C>T on the coding strand, the complement: MYH11 is on the minus strand). VCF-style: chr16-15756426-G-A. GRCh37 (hg19) VCF-style: chr16-15850283-G-A.
Other names: c.1685C>T, p.Thr562Met (NM_001040113.2, NM_001040114.2); c.1664C>T, p.Thr555Met (NM_022844.3); short protein forms T555M, T562M.
Identifiers: ClinVar variation 919634 (VCV000919634.6), dbSNP rs2041718828, ClinGen allele CA394870424.